The following is an entry in ClinVar:

NM_001197104.2(KMT2A):c.11230C>T (p.Arg3744Ter)

Genes: KMT2A (lysine methyltransferase 2A; plus strand), TTC36-AS1 (TTC36 and KMT2A antisense RNA 1; minus strand). Cytogenetic location: 11q23.3.
Variant type: single nucleotide variant.
Coding change: c.11230C>T on transcript NM_001197104.2 (MANE Select); coding-DNA position 11230, C replaced by T.
Protein change: p.Arg3744Ter; replaces arginine 3744 with a stop codon.
Molecular consequence: nonsense.
Genome position (GRCh38, 1-based): chr11:118,519,701, C>T. VCF-style: chr11-118519701-C-T. GRCh37 (hg19) VCF-style: chr11-118390416-C-T.
Other names: c.11221C>T, p.Arg3741Ter (NM_005933.4); short protein forms R3744*, R3741*.
Identifiers: ClinVar variation 376783 (VCV000376783.34), dbSNP rs1057520053, ClinGen allele CA16603165.

ClinVar aggregate classification (germline): Pathogenic/Likely pathogenic. Review status: criteria provided, multiple submitters, no conflicts (2 of 4 stars). 5 submissions from 5 submitters: Pathogenic (4); Likely pathogenic (1). Last evaluated 2025-05-27.

Conditions:
KMT2A-related disorder. Also called: KMT2A-related condition.

Submissions (5):

Labcorp Genetics (formerly Invitae), Labcorp
Classification: Pathogenic. Last evaluated: 2025-05-27. Review status: criteria provided, single submitter. Criteria: Invitae Variant Classification Sherloc (09022015). Collection method: clinical testing. Allele origin: germline.
Comment: This sequence change creates a premature translational stop signal (p.Arg3744*) in the KMT2A gene. It is expected to result in an absent or disrupted protein product. Loss-of-function variants in KMT2A are known to be pathogenic (PMID: 22795537, 25810209, 29574747). This variant is not present in population databases (gnomAD no frequency). This variant has not been reported in the literature in individuals affected with KMT2A-related conditions. ClinVar contains an entry for this variant (Variation ID: 376783). For these reasons, this variant has been classified as Pathogenic.

CeGaT Center for Human Genetics Tuebingen
Classification: Pathogenic. Last evaluated: 2023-09-01. Review status: criteria provided, single submitter. Criteria: CeGaT Center For Human Genetics Tuebingen Variant Classification Criteria Version 2. Collection method: clinical testing. Allele origin: germline. Affected: yes. Observed: 1 variant allele.
Comment: KMT2A: PVS1, PM2

Blueprint Genetics
Classification: Likely pathogenic for KMT2A-related disorders. Last evaluated: 2021-06-03. Review status: criteria provided, single submitter. Criteria: ACMG Guidelines, 2015. Collection method: clinical testing. Allele origin: germline. Affected: yes. Observed: 1 variant allele.

GeneDx
Classification: Pathogenic. Last evaluated: 2018-04-26. Review status: criteria provided, single submitter. Criteria: GeneDx Variant Classification (06012015). Collection method: clinical testing. Allele origin: germline. Affected: yes.
Comment: The R3744X variant in the KMT2A gene has not been reported previously as a pathogenic variant nor as a benign variant, to our knowledge. This variant is predicted to cause loss of normal protein function either through protein truncation or nonsense-mediated mRNA decay. The R3744X variant is not observed in large population cohorts (Lek et al., 2016). We interpret R3744X as a pathogenic variant

Center for Pediatric Genomic Medicine, Children's Mercy Hospital and Clinics
Classification: Pathogenic. Last evaluated: 2016-12-06. Review status: criteria provided, single submitter. Criteria: ACMG Guidelines, 2015. Collection method: clinical testing. Allele origin: de novo.

Literature cited by the submitters: PubMed 22795537 (cited by Labcorp Genetics (formerly Invitae), Labcorp); PubMed 25810209 (cited by Labcorp Genetics (formerly Invitae), Labcorp); PubMed 29574747 (cited by Labcorp Genetics (formerly Invitae), Labcorp).